The following is an entry in ClinVar:

NM_000528.4(MAN2B1):c.1748T>A (p.Val583Glu)

Gene: MAN2B1 (mannosidase alpha class 2B member 1; minus strand). Cytogenetic location: 19p13.13.
Variant type: single nucleotide variant.
Coding change: c.1748T>A on transcript NM_000528.4 (MANE Select); coding-DNA position 1748, T replaced by A.
Protein change: p.Val583Glu; replaces valine 583 with glutamic acid.
Molecular consequence: missense variant.
Genome position (GRCh38, 1-based): chr19:12,655,776, A>T on the plus strand (T>A on the coding strand, the complement: MAN2B1 is on the minus strand). VCF-style: chr19-12655776-A-T. GRCh37 (hg19) VCF-style: chr19-12766590-A-T.
Other names: c.1745T>A, p.Val582Glu (NM_001173498.2); short protein forms V582E, V583E.
Identifiers: ClinVar variation 1373747 (VCV001373747.6), dbSNP rs2145250358, ClinGen allele CA404244849.

ClinVar aggregate classification (germline): Uncertain significance (1 of 4 stars; one submission).

Conditions:
Deficiency of alpha-mannosidase (MANSA). Also called: Mannosidosis, alpha-, types I and II; LYSOSOMAL ALPHA-D-MANNOSIDASE DEFICIENCY; Alpha-Mannosidosis. Identifiers: Orphanet 61, MedGen C0024748, MONDO:0009561, OMIM 248500.

Submission:

Labcorp Genetics (formerly Invitae), Labcorp
Classification: Uncertain significance for Deficiency of alpha-mannosidase. Last evaluated: 2023-10-13. Review status: criteria provided, single submitter. Criteria: Invitae Variant Classification Sherloc (09022015). Collection method: clinical testing. Allele origin: germline.
Comment: This sequence change replaces valine, which is neutral and non-polar, with glutamic acid, which is acidic and polar, at codon 583 of the MAN2B1 protein (p.Val583Glu). This variant is not present in population databases (gnomAD no frequency). This variant has not been reported in the literature in individuals affected with MAN2B1-related conditions. ClinVar contains an entry for this variant (Variation ID: 1373747). Advanced modeling of protein sequence and biophysical properties (such as structural, functional, and spatial information, amino acid conservation, physicochemical variation, residue mobility, and thermodynamic stability) performed at Invitae indicates that this missense variant is not expected to disrupt MAN2B1 protein function. In summary, the available evidence is currently insufficient to determine the role of this variant in disease. Therefore, it has been classified as a Variant of Uncertain Significance.